The following is an entry in ClinVar:

NM_001384140.1(PCDH15):c.2191G>T (p.Glu731Ter)

Gene: PCDH15 (protocadherin related 15; minus strand). Cytogenetic location: 10q21.1.
Variant type: single nucleotide variant.
Coding change: c.2191G>T on transcript NM_001384140.1 (MANE Select); coding-DNA position 2191, G replaced by T.
Protein change: p.Glu731Ter; replaces glutamic acid 731 with a stop codon.
Molecular consequence: nonsense.
Genome position (GRCh38, 1-based): chr10:54,066,786, C>A on the plus strand (G>T on the coding strand, the complement: PCDH15 is on the minus strand). VCF-style: chr10-54066786-C-A. GRCh37 (hg19) VCF-style: chr10-55826546-C-A.
Other names: c.2191G>T (NM_033056.3); c.2206G>T, p.Glu736Ter (NM_001142763.2, NM_001142771.2); c.2191G>T, p.Glu731Ter (NM_001142764.2, NM_001142766.2, NM_001142770.3 and 5 more transcripts); c.1978G>T, p.Glu660Ter (NM_001142765.2); c.2080G>T, p.Glu694Ter (NM_001142767.2); c.2125G>T, p.Glu709Ter (NM_001142768.2, NM_001142773.2, NM_001354404.2); c.2227G>T, p.Glu743Ter (NM_001142769.4); c.2212G>T, p.Glu738Ter (NM_001354411.2); short protein forms E694*, E660*, E738*, E736*, E743*, E709*, E731*.
Identifiers: ClinVar variation 872165 (VCV000872165.51), dbSNP rs2094144044, ClinGen allele CA376516761.
Genomic context (GRCh38, chr10:54,066,786, plus strand): 5'-CATATAAGATCTATATAAATATTCCACTTACTTTTACTTGACCCACAAAGGCATTGGCTT[C>A]TTCTTCCACCACAGATAAATTTCTTGGCAGATAAGGATCAAACACTGGAGCATTGTCATT-3'

ClinVar aggregate classification (germline): Pathogenic/Likely pathogenic. Review status: criteria provided, multiple submitters, no conflicts (2 of 4 stars). 5 submissions from 5 submitters: Pathogenic (4); Likely pathogenic (1). Last evaluated 2026-01-23.

Conditions:
Autosomal recessive nonsyndromic hearing loss 23. Identifiers: Orphanet 90636, MedGen C1836027, MONDO:0012293, OMIM 609533.
Usher syndrome type 1F (USH1F). Also called: USHER SYNDROME, TYPE IF. Identifiers: Orphanet 231169, Orphanet 886, MedGen C1865885, MONDO:0011186, OMIM 602083.

Allele frequency attached by ClinVar (database versions not stated): gnomAD exomes below 0.00001.
gnomAD v4.1: 1 of 1,613,524 alleles (0.000062%); highest among the groups gnomAD compares: African/African-American, 0.0013%; no homozygotes.

Submissions (5):

Natera, Inc.
Classification: Pathogenic for Usher syndrome type 1F. Last evaluated: 2026-01-23. Review status: criteria provided, single submitter. Criteria: Natera Variant Classification Schema (03/2026). Collection method: clinical testing. Allele origin: germline.
Comment: The c.2191G>T variant in PCDH15 is a nonsense variant predicted to introduce a stop codon at amino acid 731. This variant is expected to result in nonsense mediated decay, truncation, or a dysfunctional protein product. This variant is rare in the general population with a frequency below the threshold expected for the associated phenotype(s). This variant has been observed in one or more individuals affected with the associated recessive disease, as either homozygous or compound heterozygous with a second variant (PMID: 37734845). Given the available evidence, this variant is classified as Pathogenic.

Baylor Genetics
Classification: Likely pathogenic for Autosomal recessive nonsyndromic hearing loss 23. Last evaluated: 2022-10-06. Review status: criteria provided, single submitter. Criteria: ACMG Guidelines, 2015. Collection method: clinical testing. Allele origin: unknown.

Labcorp Genetics (formerly Invitae), Labcorp
Classification: Pathogenic. Last evaluated: 2022-08-19. Review status: criteria provided, single submitter. Criteria: Invitae Variant Classification Sherloc (09022015). Collection method: clinical testing. Allele origin: germline.
Comment: This sequence change creates a premature translational stop signal (p.Glu731*) in the PCDH15 gene. It is expected to result in an absent or disrupted protein product. Loss-of-function variants in PCDH15 are known to be pathogenic (PMID: 11398101, 11487575, 14570705). This variant is not present in population databases (gnomAD no frequency). This variant has not been reported in the literature in individuals affected with PCDH15-related conditions. ClinVar contains an entry for this variant (Variation ID: 872165). For these reasons, this variant has been classified as Pathogenic.

Institute of Medical Genetics and Applied Genomics, University Hospital Tübingen
Classification: Pathogenic. Last evaluated: 2020-10-23. Review status: criteria provided, single submitter. Criteria: ACMG Guidelines, 2015. Collection method: clinical testing. Allele origin: germline. Inheritance: Autosomal recessive inheritance. Affected: yes.

CeGaT Center for Human Genetics Tuebingen
Classification: Pathogenic. Last evaluated: 2019-01-01. Review status: criteria provided, single submitter. Criteria: CeGaT Center For Human Genetics Tuebingen Variant Classification Criteria Version 2. Collection method: clinical testing. Allele origin: germline. Affected: yes. Observed: 2 variant alleles.

Literature cited by the submitters: PubMed 37734845 (cited by Natera, Inc.); PubMed 11398101 (cited by Labcorp Genetics (formerly Invitae), Labcorp); PubMed 11487575 (cited by Labcorp Genetics (formerly Invitae), Labcorp); PubMed 14570705 (cited by Labcorp Genetics (formerly Invitae), Labcorp).